The following is an entry in ClinVar:

ClinVar aggregate classification (germline): Likely benign (1 of 4 stars; one submission).

gnomAD v4.1: 1 of 1,613,090 alleles (0.000062%); highest among the groups gnomAD compares: Non-Finnish European, 0.000085%; no homozygotes.

Submission:

CeGaT Center for Human Genetics Tuebingen
Classification: Likely benign. Last evaluated: 2026-02-01. Review status: criteria provided, single submitter. Criteria: CeGaT Center For Human Genetics Tuebingen Variant Classification Criteria Version 2. Collection method: clinical testing. Allele origin: germline. Affected: yes. Observed: 1 variant allele.
Comment: MIA3: BP4, BP7

NM_198551.4(MIA3):c.543A>G (p.Pro181=)

Gene: MIA3 (MIA SH3 domain ER export factor 3; plus strand). Cytogenetic location: 1q41.
Variant type: single nucleotide variant.
Coding change: c.543A>G on transcript NM_198551.4 (MANE Select); coding-DNA position 543, A replaced by G.
Protein change: p.Pro181=; no amino-acid change (proline 181 retained).
Molecular consequence: synonymous variant.
Genome position (GRCh38, 1-based): chr1:222,627,763, A>G. VCF-style: chr1-222627763-A-G. GRCh37 (hg19) VCF-style: chr1-222801105-A-G.
Other names: c.543A>G, p.Pro181= (NM_001324062.2, NM_001324063.2); c.51A>G, p.Pro17= (NM_001324064.2).
Identifiers: ClinVar variation 4823389 (VCV004823389.4).